The following is an entry in ClinVar:

NM_001737.5(C9):c.1427_1432del (p.Ile476_Tyr477del)

Gene: C9 (complement C9; minus strand). Cytogenetic location: 5p13.1.
Variant type: Microsatellite.
Coding change: c.1427_1432del on transcript NM_001737.5 (MANE Select); coding-DNA positions 1427 to 1432, 6 bases deleted (TATATA; older notation c.1427_1432delTATATA).
Protein change: p.Ile476_Tyr477del.
Molecular consequence: inframe deletion.
Genome position (GRCh38, 1-based): chr5:39,288,936-39,288,941, TATATA deleted on the plus strand (TATATA on the coding strand, the reverse complement: C9 is on the minus strand); deleting any 6 consecutive bases within chr5:39,288,936-39,288,943 gives the same sequence; the c. name uses the placement nearest the transcript's 3' end. VCF-style (leftmost placement, unchanged base first): chr5-39288935-TTATATA-T. GRCh37 (hg19) VCF-style: chr5-39289037-TTATATA-T.
Identifiers: ClinVar variation 1926382 (VCV001926382.5), dbSNP rs773284177, ClinGen allele CA3246682.

ClinVar aggregate classification (germline): Uncertain significance (1 of 4 stars; one submission).

Submission:

Labcorp Genetics (formerly Invitae), Labcorp
Classification: Uncertain significance. Last evaluated: 2024-06-17. Review status: criteria provided, single submitter. Criteria: Invitae Variant Classification Sherloc (09022015). Collection method: clinical testing. Allele origin: germline.
Comment: This variant, c.1427_1432del, results in the deletion of 2 amino acid(s) of the C9 protein (p.Ile476_Tyr477del), but otherwise preserves the integrity of the reading frame. This variant is present in population databases (rs773284177, gnomAD 0.003%). This variant has not been reported in the literature in individuals affected with C9-related conditions. Experimental studies and prediction algorithms are not available or were not evaluated, and the functional significance of this variant is currently unknown. In summary, the available evidence is currently insufficient to determine the role of this variant in disease. Therefore, it has been classified as a Variant of Uncertain Significance.